The following is an entry in ClinVar:

ClinVar aggregate classification (germline): Uncertain significance. Review status: criteria provided, multiple submitters, no conflicts (2 of 4 stars). 5 submissions from 5 submitters: Uncertain significance (4). 1 of the submissions does not count toward it. Last evaluated 2024-11-05.

Conditions:
Achromatopsia. Also called: Rod monochromatism. Identifiers: Orphanet 49382, MedGen C0152200, MONDO:0018852, HP:0011516.
Inborn genetic diseases. Identifiers: MedGen C0950123, MeSH D030342.

Allele frequency attached by ClinVar (database versions not stated): gnomAD 0.00009 and 0.00010; ExAC 0.00010; TOPMed 0.00011; gnomAD exomes 0.00017 and 0.00027; ESP Exome Variant Server 0.00008.
gnomAD v4.1: 393 of 1,613,914 alleles (0.024%); highest among the groups gnomAD compares: Non-Finnish European, 0.031%; no homozygotes.

Submissions (5):

Labcorp Genetics (formerly Invitae), Labcorp
Classification: Uncertain significance. Last evaluated: 2024-11-05. Review status: criteria provided, single submitter. Criteria: Invitae Variant Classification Sherloc (09022015). Collection method: clinical testing. Allele origin: germline.
Comment: This sequence change replaces arginine, which is basic and polar, with histidine, which is basic and polar, at codon 456 of the CNGB3 protein (p.Arg456His). This variant is present in population databases (rs150650617, gnomAD 0.05%). This variant has not been reported in the literature in individuals affected with CNGB3-related conditions. ClinVar contains an entry for this variant (Variation ID: 856503). Invitae Evidence Modeling of protein sequence and biophysical properties (such as structural, functional, and spatial information, amino acid conservation, physicochemical variation, residue mobility, and thermodynamic stability) indicates that this missense variant is not expected to disrupt CNGB3 protein function with a negative predictive value of 95%. In summary, the available evidence is currently insufficient to determine the role of this variant in disease. Therefore, it has been classified as a Variant of Uncertain Significance.

Ambry Genetics
Classification: Uncertain significance for Inborn genetic diseases. Last evaluated: 2024-05-15. Review status: criteria provided, single submitter. Criteria: Ambry Variant Classification Scheme 2023. Collection method: clinical testing. Allele origin: germline.

Blueprint Genetics
Classification: Uncertain significance. Last evaluated: 2023-12-11. Review status: criteria provided, single submitter. Criteria: ACMG Guidelines, 2015. Collection method: clinical testing. Allele origin: germline.

Breakthrough Genomics
Classification: Uncertain significance. Review status: criteria provided, single submitter. Criteria: ACMG Guidelines, 2015. Collection method: not provided. Allele origin: germline. Inheritance: Autosomal recessive inheritance. Affected: yes.

Natera, Inc.
Classification: Uncertain significance for Achromatopsia. Last evaluated: 2020-09-16. Review status: no assertion criteria provided. Collection method: clinical testing. Allele origin: germline. Not counted in ClinVar's aggregate classification.

NM_019098.5(CNGB3):c.1367G>A (p.Arg456His)

Gene: CNGB3 (cyclic nucleotide gated channel subunit beta 3; minus strand). Cytogenetic location: 8q21.3.
Variant type: single nucleotide variant.
Coding change: c.1367G>A on transcript NM_019098.5 (MANE Select); coding-DNA position 1367, G replaced by A.
Protein change: p.Arg456His; replaces arginine 456 with histidine.
Molecular consequence: missense variant.
Genome position (GRCh38, 1-based): chr8:86,629,032, C>T on the plus strand (G>A on the coding strand, the complement: CNGB3 is on the minus strand). VCF-style: chr8-86629032-C-T. GRCh37 (hg19) VCF-style: chr8-87641260-C-T.
Other names: short protein forms R456H.
Identifiers: ClinVar variation 856503 (VCV000856503.8), dbSNP rs150650617, ClinGen allele CA4800042.